The following is an entry in ClinVar:

NM_001170629.2(CHD8):c.4370+4dup

Gene: CHD8 (chromodomain helicase DNA binding protein 8; minus strand). Cytogenetic location: 14q11.2.
Variant type: Duplication.
Coding change: c.4370+4dup on transcript NM_001170629.2 (MANE Select); 4 bases into the intron after coding-DNA position 4370, one base duplicated (A; older notation c.4370+4dupA).
Molecular consequence: intron variant.
Genome position (GRCh38, 1-based): chr14:21,400,871, T duplicated on the plus strand (A on the coding strand, the reverse complement: CHD8 is on the minus strand); the first of 2 consecutive T bases (chr14:21,400,871-21,400,872); duplicating either gives the same sequence. VCF-style (leftmost placement, unchanged base first): chr14-21400870-C-CT. GRCh37 (hg19) VCF-style: chr14-21869029-C-CT.
Other names: c.3533+4dup (NM_020920.4).
Identifiers: ClinVar variation 4813254 (VCV004813254.1).
Genomic context (GRCh38, chr14:21,400,870, plus strand): 5'-CCAAGAGTATCTATCAGGATGGAGATGCACTATGCACTACCTCTAATGGTAAGTTGGGGT[C>CT]TTACCCATATACCAGGAGATGCTTTTCCACCCGAAAGCAGTCAGTGCGCCCATAGGCATG-3'

ClinVar aggregate classification (germline): Uncertain significance (1 of 4 stars; one submission).

Submission:

GeneDx
Classification: Uncertain significance. Last evaluated: 2025-09-04. Review status: criteria provided, single submitter. Criteria: GeneDx Variant Classification Process June 2021. Collection method: clinical testing. Allele origin: germline. Affected: yes.
Comment: Not observed at significant frequency in large population cohorts (gnomAD); In silico analysis supports a deleterious effect on splicing; Has not been previously published as pathogenic or benign to our knowledge